The following is an entry in ClinVar:

NM_025114.4(CEP290):c.3569A>C (p.Tyr1190Ser)

Gene: CEP290 (centrosomal protein 290; minus strand). Cytogenetic location: 12q21.32.
Variant type: single nucleotide variant.
Coding change: c.3569A>C on transcript NM_025114.4 (MANE Select); coding-DNA position 3569, A replaced by C.
Protein change: p.Tyr1190Ser; replaces tyrosine 1190 with serine.
Molecular consequence: missense variant.
Genome position (GRCh38, 1-based): chr12:88,090,732, T>G on the plus strand (A>C on the coding strand, the complement: CEP290 is on the minus strand). VCF-style: chr12-88090732-T-G. GRCh37 (hg19) VCF-style: chr12-88484509-T-G.
Other names: short protein forms Y1190S.
Identifiers: ClinVar variation 3347739 (VCV003347739.2).

ClinVar aggregate classification (germline): Uncertain significance. Review status: criteria provided, single submitter (1 of 4 stars). 2 submissions from 2 submitters: Uncertain significance (1). 1 of the submissions does not count toward it. Last evaluated 2024-05-07.

Conditions:
CEP290-related disorder. Also called: CEP290-related disorders; CEP290-related condition. Identifiers: MedGen CN239314.
Leber congenital amaurosis 10 (LCA10). Identifiers: Orphanet 65, MedGen C1857821, MONDO:0012723, OMIM 611755.
Joubert syndrome 5 (JBTS5). Identifiers: Orphanet 2318, MedGen C1857780, MONDO:0012432, OMIM 610188.
Bardet-Biedl syndrome 14 (BBS14). Identifiers: Orphanet 110, MedGen C2673874, MONDO:0014442, OMIM 615991.
Meckel syndrome, type 4 (MKS4). Also called: MECKEL-GRUBER SYNDROME, TYPE 4. Identifiers: Orphanet 564, MedGen C1970161, MONDO:0012626, OMIM 611134.
Senior-Loken syndrome 6 (SLSN6). Identifiers: Orphanet 3156, MedGen C1857779, MONDO:0012433, OMIM 610189.

gnomAD v4.1: 2 of 1,536,116 alleles (0.00013%); highest among the groups gnomAD compares: Admixed American, 0.0039%; no homozygotes.

Submissions (2):

Fulgent Genetics
Classification: Uncertain significance for Joubert syndrome 5; Senior-Loken syndrome 6; Meckel syndrome, type 4; Leber congenital amaurosis 10; Bardet-Biedl syndrome 14. Last evaluated: 2024-05-07. Review status: criteria provided, single submitter. Criteria: ACMG Guidelines, 2015. Collection method: clinical testing. Allele origin: germline.

PreventionGenetics, part of Exact Sciences
Classification: Uncertain significance for CEP290-related condition. Last evaluated: 2024-03-27. Review status: no assertion criteria provided. Collection method: clinical testing. Allele origin: germline. Not counted in ClinVar's aggregate classification.
Comment: The CEP290 c.3569A>C variant is predicted to result in the amino acid substitution p.Tyr1190Ser. To our knowledge, this variant has not been reported in the literature. This variant is reported in 0.0041% of alleles in individuals of Latino descent in gnomAD. At this time, the clinical significance of this variant is uncertain due to the absence of conclusive functional and genetic evidence.